The following is an entry in ClinVar:

NM_007327.4(GRIN1):c.2014-5T>G

Gene: GRIN1 (glutamate ionotropic receptor NMDA type subunit 1; plus strand). Cytogenetic location: 9q34.3.
Variant type: single nucleotide variant.
Coding change: c.2014-5T>G on transcript NM_007327.4 (MANE Select); 5 bases into the intron before coding-DNA position 2014, T replaced by G.
Molecular consequence: intron variant.
Genome position (GRCh38, 1-based): chr9:137,162,841, T>G. VCF-style: chr9-137162841-T-G. GRCh37 (hg19) VCF-style: chr9-140057293-T-G.
Other names: c.2077-5T>G (NM_001185090.2, NM_001185091.2); c.2014-5T>G (NM_021569.4, NM_000832.7).
Identifiers: ClinVar variation 1314352 (VCV001314352.5), dbSNP rs1159926920, ClinGen allele CA591372896.

ClinVar aggregate classification (germline): Conflicting classifications of pathogenicity. Review status: criteria provided, conflicting classifications (1 of 4 stars). 2 submissions from 2 submitters: Uncertain significance (1); Likely benign (1). Last evaluated 2025-11-15.

Conditions:
Neurodevelopmental disorder with or without hyperkinetic movements and seizures, autosomal dominant. Also called: Intellectual disability, autosomal dominant 8. Identifiers: MedGen C3280282, MONDO:0013655, OMIM 614254.

Allele frequency attached by ClinVar (database versions not stated): TOPMed below 0.00001; gnomAD 0.00001.
gnomAD v4.1: 28 of 1,611,864 alleles (0.0017%); highest among the groups gnomAD compares: Non-Finnish European, 0.0023%; no homozygotes.

Submissions (2):

Labcorp Genetics (formerly Invitae), Labcorp
Classification: Likely benign for Neurodevelopmental disorder with or without hyperkinetic movements and seizures, autosomal dominant. Last evaluated: 2025-11-15. Review status: criteria provided, single submitter. Criteria: Invitae Variant Classification Sherloc (09022015). Collection method: clinical testing. Allele origin: germline.

GeneDx
Classification: Uncertain significance. Last evaluated: 2020-01-27. Review status: criteria provided, single submitter. Criteria: GeneDx Variant Classification Process June 2021. Collection method: clinical testing. Allele origin: germline. Affected: yes.
Comment: Has not been previously published as pathogenic or benign to our knowledge; In-silico analysis is inconclusive as to whether the variant alters gene splicing. In the absence of RNA/functional studies, the actual effect of this sequence change is unknown.